The following is an entry in ClinVar:

ClinVar aggregate classification (germline): Uncertain significance. Review status: criteria provided, single submitter (1 of 4 stars). 2 submissions from 2 submitters: Uncertain significance (1). 1 of the submissions does not count toward it. Last evaluated 2024-03-22.

Conditions:
Dilated cardiomyopathy 1KK (CMD1KK). Identifiers: Orphanet 154, Orphanet 75249, MedGen C3714995, MONDO:0014100, OMIM 615248.
Cardiovascular phenotype. Identifiers: MedGen CN230736.

gnomAD v4.1: 3 of 1,613,900 alleles (0.00019%); highest among the groups gnomAD compares: Non-Finnish European, 0.00025%; no homozygotes.

Submissions (2):

Ambry Genetics
Classification: Uncertain significance for Cardiovascular phenotype. Last evaluated: 2024-03-22. Review status: criteria provided, single submitter. Criteria: Ambry Variant Classification Scheme 2023. Collection method: clinical testing. Allele origin: germline.
Comment: The p.S1003F variant (also known as c.3008C>T), located in coding exon 13 of the MYPN gene, results from a C to T substitution at nucleotide position 3008. The serine at codon 1003 is replaced by phenylalanine, an amino acid with highly dissimilar properties. This amino acid position is conserved. In addition, the in silico prediction for this alteration is inconclusive. Based on the available evidence, the clinical significance of this alteration remains unclear.

Institute of Human Genetics, University of Wuerzburg
Classification: Uncertain significance for Dilated cardiomyopathy 1KK. Review status: no assertion criteria provided. Collection method: clinical testing. Allele origin: unknown. Affected: yes. Observed: 1 variant allele. Not counted in ClinVar's aggregate classification.

NM_032578.4(MYPN):c.3008C>T (p.Ser1003Phe)

Gene: MYPN (myopalladin; plus strand). Cytogenetic location: 10q21.3.
Variant type: single nucleotide variant.
Coding change: c.3008C>T on transcript NM_032578.4 (MANE Select); coding-DNA position 3008, C replaced by T.
Protein change: p.Ser1003Phe; replaces serine 1003 with phenylalanine.
Molecular consequence: missense variant. On other transcripts: non-coding transcript variant (2).
Genome position (GRCh38, 1-based): chr10:68,194,445, C>T. VCF-style: chr10-68194445-C-T. GRCh37 (hg19) VCF-style: chr10-69954202-C-T.
Other names: c.3008C>T, p.Ser1003Phe (NM_001256267.2); c.2126C>T, p.Ser709Phe (NM_001256268.2); short protein forms S1003F, S709F.
Identifiers: ClinVar variation 3298126 (VCV003298126.2).